The following is an entry in ClinVar:

ClinVar aggregate classification (germline): Uncertain significance (1 of 4 stars; one submission).

Conditions:
Fanconi anemia complementation group J. Also called: BRIP1-Related Fanconi Anemia. Identifiers: Orphanet 84, MedGen C1836860, MONDO:0012187, OMIM 609054.
Familial cancer of breast. Also called: BREAST CANCER, FAMILIAL; Hereditary breast cancer; hereditary breast carcinoma. Identifiers: Orphanet 227535, MedGen C0346153, MONDO:0016419, OMIM 114480. Disease mechanism: loss of function.

Submission:

Labcorp Genetics (formerly Invitae), Labcorp
Classification: Uncertain significance for Familial cancer of breast; Fanconi anemia complementation group J. Last evaluated: 2024-04-04. Review status: criteria provided, single submitter. Criteria: Invitae Variant Classification Sherloc (09022015). Collection method: clinical testing. Allele origin: germline.
Comment: This sequence change replaces phenylalanine, which is neutral and non-polar, with leucine, which is neutral and non-polar, at codon 1036 of the BRIP1 protein (p.Phe1036Leu). This variant is not present in population databases (gnomAD no frequency). This variant has not been reported in the literature in individuals affected with BRIP1-related conditions. An algorithm developed to predict the effect of missense changes on protein structure and function (PolyPhen-2) suggests that this variant is likely to be tolerated. In summary, the available evidence is currently insufficient to determine the role of this variant in disease. Therefore, it has been classified as a Variant of Uncertain Significance.

NM_032043.3(BRIP1):c.3106T>C (p.Phe1036Leu)

Gene: BRIP1 (BRCA1 interacting DNA helicase 1; minus strand). Cytogenetic location: 17q23.2.
Variant type: single nucleotide variant.
Coding change: c.3106T>C on transcript NM_032043.3 (MANE Select); coding-DNA position 3106, T replaced by C.
Protein change: p.Phe1036Leu; replaces phenylalanine 1036 with leucine.
Molecular consequence: missense variant.
Genome position (GRCh38, 1-based): chr17:61,683,940, A>G on the plus strand (T>C on the coding strand, the complement: BRIP1 is on the minus strand). VCF-style: chr17-61683940-A-G. GRCh37 (hg19) VCF-style: chr17-59761301-A-G.
Other names: short protein forms F1036L.
Identifiers: ClinVar variation 3755188 (VCV003755188.2).